The following is an entry in ClinVar:

NM_032638.5(GATA2):c.159C>G (p.Asp53Glu)

Gene: GATA2 (GATA binding protein 2; minus strand). Cytogenetic location: 3q21.3.
Variant type: single nucleotide variant.
Coding change: c.159C>G on transcript NM_032638.5 (MANE Select); coding-DNA position 159, C replaced by G.
Protein change: p.Asp53Glu; replaces aspartic acid 53 with glutamic acid.
Molecular consequence: missense variant.
Genome position (GRCh38, 1-based): chr3:128,486,873, G>C on the plus strand (C>G on the coding strand, the complement: GATA2 is on the minus strand). VCF-style: chr3-128486873-G-C. GRCh37 (hg19) VCF-style: chr3-128205716-G-C.
Other names: c.159C>G, p.Asp53Glu (NM_001145661.2, NM_001145662.1); short protein forms D53E.
Identifiers: ClinVar variation 2945287 (VCV002945287.4), dbSNP rs1444196791, ClinGen allele CA354408565.
Genomic context (GRCh38, chr3:128,486,873, plus strand): 5'-GCTGTAGGAGACGCGCGCCCGCGCGTGAGCGGGGTTGGCATAGTAGGGGTTGCCCTGCGA[G>C]TCGAGGTGATTGAAGAAGACGTCCACCTCGTCTGGAGGCAGCAGCTGCGCGGGTTCCATG-3'
Protein context (NP_116027.2, residues 43-63): DEVDVFFNHL[Asp53Glu]SQGNPYYANP

ClinVar aggregate classification (germline): Uncertain significance. Review status: criteria provided, multiple submitters, no conflicts (2 of 4 stars). 2 submissions from 2 submitters: Uncertain significance (2). Last evaluated 2026-07-01.

Conditions:
Deafness-lymphedema-leukemia syndrome. Also called: Emberger syndrome; Lymphedema, primary, with myelodysplasia. Identifiers: Orphanet 3226, MedGen C3279664, MONDO:0013540, OMIM 614038.
Monocytopenia with susceptibility to infections. Also called: MONOCYTOPENIA AND MYCOBACTERIAL INFECTION SYNDROME; MONOCYTOPENIA WITH SUSCEPTIBILITY TO MYCOBACTERIAL, FUNGAL, AND PAPILLOMAVIRUS INFECTIONS AND MYELODYSPLASIA; COMBINED IMMUNODEFICIENCY WITH SUSCEPTIBILITY TO MYCOBACTERIAL, VIRAL, AND FUNGAL INFECTIONS; Dendritic cell, monocyte, B lymphocyte, and natural killer lymphocyte deficiency; GATA2 DEFICIENCY; IMMUNODEFICIENCY 21. Identifiers: Orphanet 228423, MedGen C3280030, MONDO:0013607, OMIM 614172.
Inborn genetic diseases. Identifiers: MedGen C0950123, MeSH D030342.

Submissions (2):

Ambry Genetics
Classification: Uncertain significance for Inborn genetic diseases. Last evaluated: 2026-07-01. Review status: criteria provided, single submitter. Criteria: Ambry Variant Classification Scheme 2023. Collection method: clinical testing. Allele origin: germline.
Comment: The p.D53E variant (also known as c.159C>G), located in coding exon 1 of the GATA2 gene, results from a C to G substitution at nucleotide position 159. The aspartic acid at codon 53 is replaced by glutamic acid, an amino acid with highly similar properties. This amino acid position is conserved. In addition, this alteration is predicted to be deleterious by in silico analysis. Based on the available evidence, the clinical significance of this variant remains unclear.

Labcorp Genetics (formerly Invitae), Labcorp
Classification: Uncertain significance for Monocytopenia with susceptibility to infections; Deafness-lymphedema-leukemia syndrome. Last evaluated: 2023-03-14. Review status: criteria provided, single submitter. Criteria: Invitae Variant Classification Sherloc (09022015). Collection method: clinical testing. Allele origin: germline.
Comment: In summary, the available evidence is currently insufficient to determine the role of this variant in disease. Therefore, it has been classified as a Variant of Uncertain Significance. Advanced modeling of protein sequence and biophysical properties (such as structural, functional, and spatial information, amino acid conservation, physicochemical variation, residue mobility, and thermodynamic stability) performed at Invitae indicates that this missense variant is not expected to disrupt GATA2 protein function. This variant has not been reported in the literature in individuals affected with GATA2-related conditions. This variant is not present in population databases (gnomAD no frequency). This sequence change replaces aspartic acid, which is acidic and polar, with glutamic acid, which is acidic and polar, at codon 53 of the GATA2 protein (p.Asp53Glu).